The following is an entry in ClinVar:

NM_006946.4(SPTBN2):c.6373G>C (p.Gly2125Arg)

Gene: SPTBN2 (spectrin beta, non-erythrocytic 2; minus strand). Cytogenetic location: 11q13.2.
Variant type: single nucleotide variant.
Coding change: c.6373G>C on transcript NM_006946.4 (MANE Select); coding-DNA position 6373, G replaced by C.
Protein change: p.Gly2125Arg; replaces glycine 2125 with arginine.
Molecular consequence: missense variant.
Genome position (GRCh38, 1-based): chr11:66,688,170, C>G on the plus strand (G>C on the coding strand, the complement: SPTBN2 is on the minus strand). VCF-style: chr11-66688170-C-G. GRCh37 (hg19) VCF-style: chr11-66455641-C-G.
Other names: c.6394G>C, p.Gly2132Arg (NM_001411025.1); short protein forms G2125R, G2132R.
Identifiers: ClinVar variation 3367139 (VCV003367139.1).

ClinVar aggregate classification (germline): Uncertain significance (1 of 4 stars; one submission).

Conditions:
Spinocerebellar ataxia type 5 (SCA5). Identifiers: Orphanet 98766, MedGen C0752123, MONDO:0010848, OMIM 600224.

gnomAD v4.1: 5 of 1,613,520 alleles (0.00031%); highest among the groups gnomAD compares: South Asian, 0.0055%; no homozygotes.

Submission:

Neuberg Centre For Genomic Medicine, NCGM
Classification: Uncertain significance for Spinocerebellar ataxia type 5. Last evaluated: 2023-05-20. Review status: criteria provided, single submitter. Criteria: ACMG Guidelines, 2015. Collection method: clinical testing. Allele origin: germline. Inheritance: Autosomal dominant inheritance. Affected: yes.
Comment: The observed missense, splice region variant c.6373G>C(p.Gly2125Arg) in SPTBN2 gene has not been reported previously as a pathogenic variant nor as a benign variant, to our knowledge. The variant c.6373G>C has 0.001% allele frequency in gnomAD Exomes. The amino acid Glycine at position 2125 is changed to a Arginine changing protein sequence and it might alter its composition and physico-chemical properties.Multiple lines of computational evidence (Polyphen, SIFT and Mutation Taster) predict no damaging effect on protein structure and function for this variant. The amino acid change p.Gly2125Arg in SPTBN2 is predicted as conserved by GERP++. For these reasons, this variant has been classified as Uncertain Significance.